The following is an entry in ClinVar:

ClinVar aggregate classification (germline): Uncertain significance (1 of 4 stars; one submission).

gnomAD v4.1: 1 of 1,614,040 alleles (0.000062%); highest among the groups gnomAD compares: Non-Finnish European, 0.000085%; no homozygotes.

Submission:

GeneDx
Classification: Uncertain significance. Last evaluated: 2023-10-31. Review status: criteria provided, single submitter. Criteria: GeneDx Variant Classification Process June 2021. Collection method: clinical testing. Allele origin: germline. Affected: yes.
Comment: Not observed at significant frequency in large population cohorts (gnomAD); In silico analysis supports that this missense variant has a deleterious effect on protein structure/function; Missense variants in this gene are a common cause of disease and they are underrepresented in the general population; This substitution is predicted to be within the N-terminal cytoplasmic domain; Has not been previously published as pathogenic or benign to our knowledge

NM_001040142.2(SCN2A):c.83G>T (p.Arg28Leu)

Gene: SCN2A (sodium voltage-gated channel alpha subunit 2; plus strand). Cytogenetic location: 2q24.3.
Variant type: single nucleotide variant.
Coding change: c.83G>T on transcript NM_001040142.2 (MANE Select); coding-DNA position 83, G replaced by T.
Protein change: p.Arg28Leu; replaces arginine 28 with leucine.
Molecular consequence: missense variant.
Genome position (GRCh38, 1-based): chr2:165,295,906, G>T. VCF-style: chr2-165295906-G-T. GRCh37 (hg19) VCF-style: chr2-166152416-G-T.
Other names: c.83G>T, p.Arg28Leu (NM_001040143.2, NM_001371246.1, NM_001371247.1 and 1 more transcripts); short protein forms R28L.
Identifiers: ClinVar variation 3363670 (VCV003363670.1).